The following is an entry in ClinVar:

NM_001060.6(TBXA2R):c.1015C>T (p.Arg339Cys)

Gene: TBXA2R (thromboxane A2 receptor; minus strand). Cytogenetic location: 19p13.3.
Variant type: single nucleotide variant.
Coding change: c.1015C>T on transcript NM_001060.6 (MANE Select); coding-DNA position 1015, C replaced by T.
Protein change: p.Arg339Cys; replaces arginine 339 with cysteine.
Molecular consequence: missense variant. On other transcripts: intron variant (1).
Genome position (GRCh38, 1-based): chr19:3,595,705, G>A on the plus strand (C>T on the coding strand, the complement: TBXA2R is on the minus strand). VCF-style: chr19-3595705-G-A. GRCh37 (hg19) VCF-style: chr19-3595703-G-A.
Other names: c.983+32C>T (NM_201636.3); short protein forms R339C.
Identifiers: ClinVar variation 2389230 (VCV002389230.7), dbSNP rs202067474, ClinGen allele CA9080717.

ClinVar aggregate classification (germline): Uncertain significance. Review status: criteria provided, multiple submitters, no conflicts (2 of 4 stars). 3 submissions from 3 submitters: Uncertain significance (3). Last evaluated 2025-12-08.

Conditions:
Inborn genetic diseases. Identifiers: MedGen C0950123, MeSH D030342.

Allele frequency attached by ClinVar (database versions not stated): ESP Exome Variant Server 0.00016; ExAC 0.00037; gnomAD 0.00015.

Submissions (3):

Labcorp Genetics (formerly Invitae), Labcorp
Classification: Uncertain significance. Last evaluated: 2025-12-08. Review status: criteria provided, single submitter. Criteria: Invitae Variant Classification Sherloc (09022015). Collection method: clinical testing. Allele origin: germline.
Comment: This sequence change replaces arginine, which is basic and polar, with cysteine, which is neutral and slightly polar, at codon 339 of the TBXA2R protein (p.Arg339Cys). This variant is present in population databases (rs202067474, gnomAD 0.03%). This variant has not been reported in the literature in individuals affected with TBXA2R-related conditions. ClinVar contains an entry for this variant (Variation ID: 2389230). An algorithm developed to predict the effect of missense changes on protein structure and function (PolyPhen-2) suggests that this variant is likely to be tolerated. In summary, the available evidence is currently insufficient to determine the role of this variant in disease. Therefore, it has been classified as a Variant of Uncertain Significance.

Ambry Genetics
Classification: Uncertain significance for Inborn genetic diseases. Last evaluated: 2025-11-03. Review status: criteria provided, single submitter. Criteria: Ambry Variant Classification Scheme 2023. Collection method: clinical testing. Allele origin: germline.

Women's Health and Genetics/Laboratory Corporation of America, LabCorp
Classification: Uncertain significance. Last evaluated: 2024-04-16. Review status: criteria provided, single submitter. Criteria: LabCorp Variant Classification Summary - May 2015. Collection method: clinical testing. Allele origin: germline.
Comment: Variant summary: TBXA2R c.1015C>T (p.Arg339Cys) results in a non-conservative amino acid change in the encoded protein sequence. Four of five in-silico tools predict a benign effect of the variant on protein function. The variant allele was found at a frequency of 0.00014 in 206222 control chromosomes. This frequency does not allow conclusions about variant significance. To our knowledge, no occurrence of c.1015C>T in individuals affected with Bleeding Diathesis Due To Thromboxane Synthesis Deficiency and no experimental evidence demonstrating its impact on protein function have been reported. ClinVar contains an entry for this variant (Variation ID: 2389230). Based on the evidence outlined above, the variant was classified as uncertain significance.